The following is an entry in ClinVar:

ClinVar aggregate classification (germline): Uncertain significance (1 of 4 stars; one submission).

Submission:

Ambry Genetics
Classification: Uncertain significance. Last evaluated: 2023-06-07. Review status: criteria provided, single submitter. Criteria: Ambry Variant Classification Scheme 2023. Collection method: clinical testing. Allele origin: germline.
Comment: The c.407C>G (p.P136R) alteration is located in exon (coding exon ) of the SH3RF3 gene. This alteration results from a C to G substitution at nucleotide position 407, causing the proline (P) at amino acid position 136 to be replaced by an arginine (R). Based on insufficient or conflicting evidence, the clinical significance of this alteration remains unclear.

NM_001099289.3(SH3RF3):c.407C>G (p.Pro136Arg)

Genes: RANBP2 (RAN binding protein 2; plus strand), SH3RF3 (SH3 domain containing ring finger 3; plus strand), SH3RF3-AS1 (SH3RF3 antisense RNA 1; minus strand). Cytogenetic location: 2q13.
Variant type: single nucleotide variant.
Coding change: c.407C>G on transcript NM_001099289.3 (MANE Select); coding-DNA position 407, C replaced by G.
Protein change: p.Pro136Arg; replaces proline 136 with arginine.
Molecular consequence: missense variant. On other transcripts: non-coding transcript variant (1).
Genome position (GRCh38, 1-based): chr2:109,129,947, C>G. VCF-style: chr2-109129947-C-G. GRCh37 (hg19) VCF-style: chr2-109746403-C-G.
Other names: short protein forms P136R.
Identifiers: ClinVar variation 2558545 (VCV002558545.2), dbSNP rs1676646774, ClinGen allele CA348118660.